The following is an entry in ClinVar:

ClinVar aggregate classification (germline): Uncertain significance (1 of 4 stars; one submission).

Conditions:
Inborn genetic diseases. Identifiers: MedGen C0950123, MeSH D030342.

Allele frequency attached by ClinVar (database versions not stated): gnomAD exomes below 0.00001.
gnomAD v4.1: 1 of 1,613,836 alleles (0.000062%); highest among the groups gnomAD compares: Middle Eastern, 0.017%; no homozygotes.

Submission:

Ambry Genetics
Classification: Uncertain significance for Inborn genetic diseases. Last evaluated: 2022-03-31. Review status: criteria provided, single submitter. Criteria: Ambry Variant Classification Scheme 2023. Collection method: clinical testing. Allele origin: germline.
Comment: The p.G591D variant (also known as c.1772G>A), located in coding exon 19 of the ERCC2 gene, results from a G to A substitution at nucleotide position 1772. The glycine at codon 591 is replaced by aspartic acid, an amino acid with similar properties. This amino acid position is conserved. In addition, this alteration is predicted to be deleterious by in silico analysis. Since supporting evidence is limited at this time, the clinical significance of this alteration remains unclear.

NM_000400.4(ERCC2):c.1772G>A (p.Gly591Asp)

Gene: ERCC2 (ERCC excision repair 2, TFIIH core complex helicase subunit; minus strand). Cytogenetic location: 19q13.32.
Variant type: single nucleotide variant.
Coding change: c.1772G>A on transcript NM_000400.4 (MANE Select); coding-DNA position 1772, G replaced by A.
Protein change: p.Gly591Asp; replaces glycine 591 with aspartic acid.
Molecular consequence: missense variant.
Genome position (GRCh38, 1-based): chr19:45,353,142, C>T on the plus strand (G>A on the coding strand, the complement: ERCC2 is on the minus strand). VCF-style: chr19-45353142-C-T. GRCh37 (hg19) VCF-style: chr19-45856400-C-T.
Other names: short protein forms G591D.
Identifiers: ClinVar variation 1779821 (VCV001779821.2), dbSNP rs2514002120, ClinGen allele CA406364216.
Genomic context (GRCh38, chr19:45,353,142, plus strand): 5'-CCAAAGTCGATTCCCTCGGACACTTTGCCCCGGGCCACTGACAGCAGGATGGCCCCGCGG[C>T]CATTCTCGCAGGCCTGAGGTGGGGAGACCGAGACGCAAGTTAGGTCACTCCTCAGAGCCA-3'
Protein context (NP_000391.1, residues 581-601): LEKYQEACEN[Gly591Asp]RGAILLSVAR